The following is an entry in ClinVar:

NM_001035.3(RYR2):c.12348G>T (p.Gln4116His)

Gene: RYR2 (ryanodine receptor 2; plus strand). Cytogenetic location: 1q43.
Variant type: single nucleotide variant.
Coding change: c.12348G>T on transcript NM_001035.3 (MANE Select); coding-DNA position 12348, G replaced by T.
Protein change: p.Gln4116His; replaces glutamine 4116 with histidine.
Molecular consequence: missense variant.
Genome position (GRCh38, 1-based): chr1:237,784,060, G>T. VCF-style: chr1-237784060-G-T. GRCh37 (hg19) VCF-style: chr1-237947360-G-T.
Other names: short protein forms Q4116H.
Identifiers: ClinVar variation 1444538 (VCV001444538.7), dbSNP rs2149353492, ClinGen allele CA345413022.

ClinVar aggregate classification (germline): Uncertain significance (1 of 4 stars; one submission).

Conditions:
Catecholaminergic polymorphic ventricular tachycardia 1. Also called: VENTRICULAR TACHYCARDIA, STRESS-INDUCED POLYMORPHIC 1; VENTRICULAR TACHYCARDIA, CATECHOLAMINERGIC POLYMORPHIC, 1, WITH OR WITHOUT ATRIAL DYSFUNCTION AND/OR DILATED CARDIOMYOPATHY; RYR2-Related Catecholaminergic Polymorphic Ventricular Tachycardia. Identifiers: Orphanet 3286, MedGen C1631597, MONDO:0011484, OMIM 604772.

Submission:

Labcorp Genetics (formerly Invitae), Labcorp
Classification: Uncertain significance for Catecholaminergic polymorphic ventricular tachycardia 1. Last evaluated: 2021-12-09. Review status: criteria provided, single submitter. Criteria: Invitae Variant Classification Sherloc (09022015). Collection method: clinical testing. Allele origin: germline.
Comment: In summary, the available evidence is currently insufficient to determine the role of this variant in disease. Therefore, it has been classified as a Variant of Uncertain Significance. This sequence change replaces glutamine, which is neutral and polar, with histidine, which is basic and polar, at codon 4116 of the RYR2 protein (p.Gln4116His). This variant is not present in population databases (gnomAD no frequency). This variant has not been reported in the literature in individuals affected with RYR2-related conditions. Advanced modeling of protein sequence and biophysical properties (such as structural, functional, and spatial information, amino acid conservation, physicochemical variation, residue mobility, and thermodynamic stability) performed at Invitae indicates that this missense variant is not expected to disrupt RYR2 protein function.